The following is an entry in ClinVar:

ClinVar aggregate classification (germline): Uncertain significance (1 of 4 stars; one submission).

Conditions:
Cystic fibrosis (CF). Also called: MUCOVISCIDOSIS. Identifiers: Orphanet 586, MedGen C0010674, MONDO:0009061, OMIM 219700. Disease mechanism: loss of function.

Submission:

Ambry Genetics
Classification: Uncertain significance for Cystic fibrosis. Last evaluated: 2025-10-05. Review status: criteria provided, single submitter. Criteria: Ambry Variant Classification Scheme 2023. Collection method: clinical testing. Allele origin: germline.
Comment: The p.L180P variant (also known as c.539T>C), located in coding exon 5 of the CFTR gene, results from a T to C substitution at nucleotide position 539. The leucine at codon 180 is replaced by proline, an amino acid with similar properties. This amino acid position is conserved. In addition, this alteration is predicted to be deleterious by in silico analysis. Since supporting evidence is limited at this time, the clinical significance of this alteration remains unclear.

NM_000492.4(CFTR):c.539T>C (p.Leu180Pro)

Gene: CFTR (CF transmembrane conductance regulator; plus strand). Cytogenetic location: 7q31.2.
Variant type: single nucleotide variant.
Coding change: c.539T>C on transcript NM_000492.4 (MANE Select); coding-DNA position 539, T replaced by C.
Protein change: p.Leu180Pro; replaces leucine 180 with proline.
Molecular consequence: missense variant.
Genome position (GRCh38, 1-based): chr7:117,534,325, T>C. VCF-style: chr7-117534325-T-C. GRCh37 (hg19) VCF-style: chr7-117174379-T-C.
Other names: short protein forms L180P.
Identifiers: ClinVar variation 1747283 (VCV001747283.3), dbSNP rs2485014501, ClinGen allele CA368976482.